The following is an entry in ClinVar:

NM_007194.4(CHEK2):c.1531del (p.Val511fs)

Gene: CHEK2 (checkpoint kinase 2; minus strand). Cytogenetic location: 22q12.1.
Variant type: Deletion.
Coding change: c.1531del on transcript NM_007194.4 (MANE Select); coding-DNA position 1531, one base deleted (G; older notation c.1531delG).
Protein change: p.Val511fs; shifts the reading frame from valine 511.
Molecular consequence: frameshift variant.
Genome position (GRCh38, 1-based): chr22:28,689,146, C deleted on the plus strand (G on the coding strand, the reverse complement: CHEK2 is on the minus strand); the first of 2 consecutive C bases (chr22:28,689,146-28,689,147); deleting either gives the same sequence. VCF-style (leftmost placement, unchanged base first): chr22-28689145-AC-A. GRCh37 (hg19) VCF-style: chr22-29085133-AC-A.
Other names: c.1659delG, p.Val554Phefs (NM_001005735.3); c.867delG, p.Val290Phefs (NM_001257387.3); c.1329delG, p.Val444Phefs (NM_001349956.3); c.1443delG, p.Val482Phefs (NM_145862.3); short protein forms V290fs, V444fs, V482fs, V511fs, V554fs.
Identifiers: ClinVar variation 1692941 (VCV001692941.1), dbSNP rs2145748375, ClinGen allele CA2573157937.
Genomic context (GRCh38, chr22:28,689,145, plus strand): 5'-CAGCTCCTTAAGCCCAGACTACATTTAGTGATCATCAGGAATACGAATACCTGGGCTAGA[AC>A]CTGGGGTAGAGCTGTGGATTCATTTTCCTCAGACAGAAGATCTTGAAACTTTCTCTTCAT-3'

ClinVar aggregate classification (germline): Likely pathogenic (1 of 4 stars; one submission).

Conditions:
Hereditary cancer-predisposing syndrome. Also called: Hereditary neoplastic syndrome; Tumor predisposition; Neoplastic Syndromes, Hereditary; Hereditary Cancer Syndrome. Identifiers: Orphanet 140162, MedGen C0027672, MeSH D009386, MONDO:0015356.

Submission:

Sema4
Classification: Likely pathogenic for Hereditary cancer-predisposing syndrome. Last evaluated: 2021-12-28. Review status: criteria provided, single submitter. Criteria: Sema4 Curation Guidelines. Collection method: curation. Allele origin: germline.
Comment: The CHEK2 c.1531del (p.V511FfsX2) variant has not been reported in the literature to our knowledge. This variant causes a frameshift at amino acid 511, which is located in the penultimate exon of CHEK2 gene. This variant is not expected to cause nonsense-mediated decay, it is likely to disrupt the last 33 amino acids and alter the nuclear localization domain of the protein. Loss of function variants in CHEK2 are known to be pathogenic (PMID: 21876083, 24713400). It was not observed in the Genome Aggregation Database (PMID: 32461654). This variant has not been reported in ClinVar. Experimental studies and prediction algorithms are not available for this variant. Based on the current evidence available, this variant is interpreted as likely pathogenic.

Literature cited by the submitters: PubMed 21876083; PubMed 24713400.